The following is an entry in ClinVar:

NM_001161352.2(KCNMA1):c.1224-14C>T

Gene: KCNMA1 (potassium calcium-activated channel subfamily M alpha 1; minus strand). Cytogenetic location: 10q22.3.
Variant type: single nucleotide variant.
Coding change: c.1224-14C>T on transcript NM_001161352.2 (MANE Select); 14 bases into the intron before coding-DNA position 1224, C replaced by T.
Molecular consequence: intron variant.
Genome position (GRCh38, 1-based): chr10:77,090,524, G>A on the plus strand (C>T on the coding strand, the complement: KCNMA1 is on the minus strand). VCF-style: chr10-77090524-G-A. GRCh37 (hg19) VCF-style: chr10-78850282-G-A.
Other names: c.1062-14C>T (NM_001271518.2); c.1224-14C>T (NM_001322832.2, NM_001410940.1, NM_001322829.2 and 8 more transcripts); c.684-14C>T (NM_001322838.2).
Identifiers: ClinVar variation 2682421 (VCV002682421.3), dbSNP rs375480325, ClinGen allele CA5568500.

ClinVar aggregate classification (germline): Likely benign. Review status: criteria provided, multiple submitters, no conflicts (2 of 4 stars). 2 submissions from 2 submitters: Likely benign (2). Last evaluated 2025-06-17.

Conditions:
Generalized epilepsy-paroxysmal dyskinesia syndrome (PNKD3). Also called: Paroxysmal nonkinesigenic dyskinesia, 3, with or without generalized epilepsy; Generalized epilepsy and paroxysmal dyskinesia. Identifiers: Orphanet 79137, MedGen C5574945, MONDO:0012276, OMIM 609446.

Allele frequency attached by ClinVar (database versions not stated): gnomAD exomes below 0.00001; ExAC 0.00002; TOPMed 0.00003; gnomAD 0.00004; ESP Exome Variant Server 0.00008.
gnomAD v4.1: 11 of 1,571,676 alleles (0.0007%); highest among the groups gnomAD compares: African/African-American, 0.015%; no homozygotes.

Submissions (2):

Labcorp Genetics (formerly Invitae), Labcorp
Classification: Likely benign for Generalized epilepsy-paroxysmal dyskinesia syndrome. Last evaluated: 2025-06-17. Review status: criteria provided, single submitter. Criteria: Invitae Variant Classification Sherloc (09022015). Collection method: clinical testing. Allele origin: germline.

Women's Health and Genetics/Laboratory Corporation of America, LabCorp
Classification: Likely benign. Last evaluated: 2023-11-09. Review status: criteria provided, single submitter. Criteria: LabCorp Variant Classification Summary - May 2015. Collection method: clinical testing. Allele origin: germline.
Comment: Variant summary: KCNMA1 c.1224-14C>T alters a non-conserved nucleotide located at a position not widely known to affect splicing. Consensus agreement among computation tools predict no significant impact on normal splicing. However, these predictions have yet to be confirmed by functional studies. The variant allele was found at a frequency of 1.2e-05 in 250172 control chromosomes. The available data on variant occurrences in the general population are insufficient to allow any conclusion about variant significance. To our knowledge, no occurrence of c.1224-14C>T in individuals affected with Paroxysmal Nonkinesigenic Dyskinesia, 3, With Or Without Generalized Epilepsy and no experimental evidence demonstrating its impact on protein function have been reported. No submitters have cited clinical-significance assessments for this variant to ClinVar after 2014. Based on the evidence outlined above, the variant was classified as likely benign.